The following is an entry in ClinVar:

NM_005085.4(NUP214):c.2280G>A (p.Ser760=)

Gene: NUP214 (nucleoporin 214; plus strand). Cytogenetic location: 9q34.13.
Variant type: single nucleotide variant.
Coding change: c.2280G>A on transcript NM_005085.4 (MANE Select); coding-DNA position 2280, G replaced by A.
Protein change: p.Ser760=; no amino-acid change (serine 760 retained).
Molecular consequence: synonymous variant.
Genome position (GRCh38, 1-based): chr9:131,151,738, G>A. VCF-style: chr9-131151738-G-A. GRCh37 (hg19) VCF-style: chr9-134027125-G-A.
Other names: c.2250G>A, p.Ser750= (NM_001318324.2).
Identifiers: ClinVar variation 725860 (VCV000725860.11), dbSNP rs373361188, ClinGen allele CA5289278.

ClinVar aggregate classification (germline): Likely benign. Review status: criteria provided, multiple submitters, no conflicts (2 of 4 stars). 2 submissions from 2 submitters: Likely benign (2). Last evaluated 2025-06-01.

Allele frequency attached by ClinVar (database versions not stated): gnomAD 0.00007 and 0.00011; ESP Exome Variant Server 0.00008; TOPMed 0.00012; gnomAD exomes 0.00023 and 0.00038; ExAC 0.00031.
gnomAD v4.1: 345 of 1,596,910 alleles (0.022%); highest among the groups gnomAD compares: East Asian, 0.31%; 1 homozygote.

Submissions (2):

CeGaT Center for Human Genetics Tuebingen
Classification: Likely benign. Last evaluated: 2025-06-01. Review status: criteria provided, single submitter. Criteria: CeGaT Center For Human Genetics Tuebingen Variant Classification Criteria Version 2. Collection method: clinical testing. Allele origin: germline. Affected: yes. Observed: 1 variant allele.
Comment: NUP214: BP4, BP7

Labcorp Genetics (formerly Invitae), Labcorp
Classification: Likely benign. Last evaluated: 2018-08-20. Review status: criteria provided, single submitter. Criteria: Invitae Variant Classification Sherloc (09022015). Collection method: clinical testing. Allele origin: germline.